The following is an entry in ClinVar:

NM_001277115.2(DNAH11):c.9288_9289delinsT (p.Lys3096fs)

Gene: DNAH11 (dynein axonemal heavy chain 11; plus strand). Cytogenetic location: 7p15.3.
Variant type: Indel.
Coding change: c.9288_9289delinsT on transcript NM_001277115.2 (MANE Select); coding-DNA positions 9288 to 9289, AG replaced by T.
Protein change: p.Lys3096fs; shifts the reading frame from lysine 3096.
Molecular consequence: frameshift variant.
Genome position (GRCh38, 1-based): chr7:21,773,951-21,773,952, AG replaced by T. VCF-style: chr7-21773951-AG-T. GRCh37 (hg19) VCF-style: chr7-21813569-AG-T.
Other names: short protein forms K3096fs.
Identifiers: ClinVar variation 5042560 (VCV005042560.1).

ClinVar aggregate classification (germline): Likely pathogenic (1 of 4 stars; one submission).

Conditions:
Primary ciliary dyskinesia 7. Also called: CILIARY DYSKINESIA, PRIMARY, 7, WITH OR WITHOUT SITUS INVERSUS. Identifiers: Orphanet 244, MedGen C2678473, MONDO:0012748, OMIM 611884.

Submission:

UAEU Genomics Laboratory, United Arab Emirates University
Classification: Likely pathogenic for Primary ciliary dyskinesia 7. Last evaluated: 2022-04-20. Review status: criteria provided, single submitter. Criteria: ACMG Guidelines, 2015. Collection method: research. Allele origin: germline. Affected: yes. Observed: 1 variant allele.
Comment: PM2, PVS1